The following is an entry in ClinVar:

NM_006031.6(PCNT):c.3735C>A (p.Ser1245Arg)

Gene: PCNT (pericentrin; plus strand). Cytogenetic location: 21q22.3.
Variant type: single nucleotide variant.
Coding change: c.3735C>A on transcript NM_006031.6 (MANE Select); coding-DNA position 3735, C replaced by A.
Protein change: p.Ser1245Arg; replaces serine 1245 with arginine.
Molecular consequence: missense variant.
Genome position (GRCh38, 1-based): chr21:46,389,326, C>A. VCF-style: chr21-46389326-C-A. GRCh37 (hg19) VCF-style: chr21-47809241-C-A.
Other names: c.3735C>A (NM_006031.5); c.3381C>A, p.Ser1127Arg (NM_001315529.2); short protein forms S1127R, S1245R.
Identifiers: ClinVar variation 3017885 (VCV003017885.5), dbSNP rs200910675, ClinGen allele CA10079430.

ClinVar aggregate classification (germline): Conflicting classifications of pathogenicity. Review status: criteria provided, conflicting classifications (1 of 4 stars). 3 submissions from 3 submitters: Uncertain significance (1); Likely benign (2). Last evaluated 2026-01-24.

Conditions:
PCNT-related disorder. Also called: PCNT-related condition.
Inborn genetic diseases. Identifiers: MedGen C0950123, MeSH D030342.

Allele frequency attached by ClinVar (database versions not stated): gnomAD exomes 0.00004; gnomAD 0.00006; TOPMed 0.00010; 1000 Genomes Project 30x 0.00016; ExAC 0.00016; 1000 Genomes Project 0.00020.
gnomAD v4.1: 65 of 1,614,232 alleles (0.004%); highest among the groups gnomAD compares: East Asian, 0.14%; no homozygotes.

Submissions (3):

Labcorp Genetics (formerly Invitae), Labcorp
Classification: Likely benign. Last evaluated: 2026-01-24. Review status: criteria provided, single submitter. Criteria: Invitae Variant Classification Sherloc (09022015). Collection method: clinical testing. Allele origin: germline.

PreventionGenetics, part of Exact Sciences
Classification: Likely benign for PCNT-related condition. Last evaluated: 2025-02-09. Review status: criteria provided, single submitter. Criteria: ACMG Guidelines, 2015. Collection method: clinical testing. Allele origin: germline.
Comment: This variant is classified as likely benign based on ACMG/AMP sequence variant interpretation guidelines (Richards et al. 2015 PMID: 25741868, with internal and published modifications).

Ambry Genetics
Classification: Uncertain significance for Inborn genetic diseases. Last evaluated: 2023-12-28. Review status: criteria provided, single submitter. Criteria: Ambry Variant Classification Scheme 2023. Collection method: clinical testing. Allele origin: germline.